The following is an entry in ClinVar:

NM_000439.5(PCSK1):c.1265A>G (p.Asn422Ser)

Genes: CAST (calpastatin; plus strand), PCSK1 (proprotein convertase subtilisin/kexin type 1; minus strand), LOC101929710 (uncharacterized LOC101929710; plus strand). Cytogenetic location: 5q15.
Variant type: single nucleotide variant.
Coding change: c.1265A>G on transcript NM_000439.5 (MANE Select); coding-DNA position 1265, A replaced by G.
Protein change: p.Asn422Ser; replaces asparagine 422 with serine.
Molecular consequence: missense variant. On other transcripts: intron variant (11).
Genome position (GRCh38, 1-based): chr5:96,400,118, T>C on the plus strand (A>G on the coding strand, the complement: PCSK1 is on the minus strand). VCF-style: chr5-96400118-T-C. GRCh37 (hg19) VCF-style: chr5-95735822-T-C.
Other names: c.-175+20466T>C (NM_001423256.1, NM_001423252.1, NM_001423257.1 and 6 more transcripts); c.-40+20466T>C (NM_001423258.1); c.1124A>G, p.Asn375Ser (NM_001177875.2); c.-103+20466T>C (NM_001423253.1); short protein forms N375S, N422S.
Identifiers: ClinVar variation 3210426 (VCV003210426.2), dbSNP rs757407378, ClinGen allele CA3350250.

ClinVar aggregate classification (germline): Uncertain significance. Review status: criteria provided, multiple submitters, no conflicts (2 of 4 stars). 2 submissions from 2 submitters: Uncertain significance (2). Last evaluated 2026-03-18.

Conditions:
Inborn genetic diseases. Identifiers: MedGen C0950123, MeSH D030342.
PCSK1-related disorder. Also called: PCSK1-related condition.

Allele frequency attached by ClinVar (database versions not stated): gnomAD 0.00003.
gnomAD v4.1: 11 of 1,614,074 alleles (0.00068%); highest among the groups gnomAD compares: Admixed American, 0.012%; no homozygotes.

Submissions (2):

PreventionGenetics, part of Exact Sciences
Classification: Uncertain significance for PCSK1-related condition. Last evaluated: 2026-03-18. Review status: criteria provided, single submitter. Criteria: ACMG Guidelines, 2015. Collection method: clinical testing. Allele origin: germline.
Comment: The PCSK1 c.1265A>G variant is predicted to result in the amino acid substitution p.Asn422Ser. To our knowledge, this variant has not been reported in the literature. This variant is reported in 0.0087% of alleles in individuals of Latino descent in gnomAD. At this time, the clinical significance of this variant is uncertain due to the absence of conclusive functional and genetic evidence.

Ambry Genetics
Classification: Uncertain significance for Inborn genetic diseases. Last evaluated: 2023-11-03. Review status: criteria provided, single submitter. Criteria: Ambry Variant Classification Scheme 2023. Collection method: clinical testing. Allele origin: germline.